The following is an entry in ClinVar:

NM_004168.4(SDHA):c.835A>T (p.Met279Leu)

Gene: SDHA (succinate dehydrogenase complex flavoprotein subunit A; plus strand). Cytogenetic location: 5p15.33.
Variant type: single nucleotide variant.
Coding change: c.835A>T on transcript NM_004168.4 (MANE Select); coding-DNA position 835, A replaced by T.
Protein change: p.Met279Leu; replaces methionine 279 with leucine.
Molecular consequence: missense variant.
Genome position (GRCh38, 1-based): chr5:230,940, A>T. VCF-style: chr5-230940-A-T. GRCh37 (hg19) VCF-style: chr5-231055-A-T.
Other names: c.691A>T, p.Met231Leu (NM_001294332.2); c.835A>T, p.Met279Leu (NM_001330758.2); c.835A>T (NM_004168.2); short protein forms M231L, M279L.
Identifiers: ClinVar variation 933470 (VCV000933470.14), dbSNP rs755913710, ClinGen allele CA359011758.

ClinVar aggregate classification (germline): Uncertain significance. Review status: criteria provided, multiple submitters, no conflicts (2 of 4 stars). 3 submissions from 3 submitters: Uncertain significance (3). Last evaluated 2026-01-31.

Conditions:
Mitochondrial complex II deficiency, nuclear type 1. Also called: SUCCINATE CoQ REDUCTASE DEFICIENCY. Identifiers: Orphanet 3208, MedGen C5700310, MONDO:0100294, OMIM 252011.
Pheochromocytoma/paraganglioma syndrome 5. Also called: Paragangliomas 5; SDHA-Related Hereditary Paraganglioma-Pheochromocytoma Syndrome. Identifiers: Orphanet 29072, MedGen C3279992, MONDO:0013602, OMIM 614165.
Hereditary cancer-predisposing syndrome. Also called: Hereditary Cancer Syndrome; Neoplastic Syndromes, Hereditary; Tumor predisposition; Hereditary neoplastic syndrome. Identifiers: Orphanet 140162, MedGen C0027672, MeSH D009386, MONDO:0015356.

gnomAD v4.1: 1 of 1,614,040 alleles (0.000062%); no homozygotes.

Submissions (3):

Labcorp Genetics (formerly Invitae), Labcorp
Classification: Uncertain significance for Pheochromocytoma/paraganglioma syndrome 5; Mitochondrial complex II deficiency, nuclear type 1. Last evaluated: 2026-01-31. Review status: criteria provided, single submitter. Criteria: Invitae Variant Classification Sherloc (09022015). Collection method: clinical testing. Allele origin: germline.
Comment: This sequence change replaces methionine, which is neutral and non-polar, with leucine, which is neutral and non-polar, at codon 279 of the SDHA protein (p.Met279Leu). This variant is not present in population databases (gnomAD no frequency). This variant has not been reported in the literature in individuals affected with SDHA-related conditions. ClinVar contains an entry for this variant (Variation ID: 933470). Invitae Evidence Modeling of protein sequence and biophysical properties (such as structural, functional, and spatial information, amino acid conservation, physicochemical variation, residue mobility, and thermodynamic stability) indicates that this missense variant is not expected to disrupt SDHA protein function with a negative predictive value of 95%. In summary, the available evidence is currently insufficient to determine the role of this variant in disease. Therefore, it has been classified as a Variant of Uncertain Significance.

Ambry Genetics
Classification: Uncertain significance for Hereditary cancer-predisposing syndrome. Last evaluated: 2025-07-03. Review status: criteria provided, single submitter. Criteria: Ambry Variant Classification Scheme 2023. Collection method: clinical testing. Allele origin: germline.
Comment: The p.M279L variant (also known as c.835A>T), located in coding exon 7 of the SDHA gene, results from an A to T substitution at nucleotide position 835. The methionine at codon 279 is replaced by leucine, an amino acid with highly similar properties. This amino acid position is highly conserved in available vertebrate species. In addition, this alteration is predicted to be tolerated by in silico analysis. Based on the available evidence, the clinical significance of this variant remains unclear.

Quest Diagnostics Nichols Institute San Juan Capistrano
Classification: Uncertain significance. Last evaluated: 2023-08-25. Review status: criteria provided, single submitter. Criteria: Quest Diagnostics criteria. Collection method: clinical testing. Allele origin: unknown.
Comment: This variant has not been reported in the published literature. It also has not been reported in large, multi-ethnic general populations (Genome Aggregation Database). Analysis of this variant using bioinformatics tools for the prediction of the effect of amino acid changes on protein structure and function yielded predictions that this variant is benign. Based on the available information, we are unable to determine the clinical significance of this variant.